The following is an entry in ClinVar:

NM_182931.3(KMT2E):c.2599T>G (p.Leu867Val)

Gene: KMT2E (lysine methyltransferase 2E (inactive); plus strand). Cytogenetic location: 7q22.3.
Variant type: single nucleotide variant.
Coding change: c.2599T>G on transcript NM_182931.3 (MANE Select); coding-DNA position 2599, T replaced by G.
Protein change: p.Leu867Val; replaces leucine 867 with valine.
Molecular consequence: missense variant.
Genome position (GRCh38, 1-based): chr7:105,106,524, T>G. VCF-style: chr7-105106524-T-G. GRCh37 (hg19) VCF-style: chr7-104746971-T-G.
Other names: c.2599T>G, p.Leu867Val (NM_001410908.1, NM_018682.4); short protein forms L867V.
Identifiers: ClinVar variation 5007125 (VCV005007125.2).
Genomic context (GRCh38, chr7:105,106,524, plus strand): 5'-ACAGATTTTAACAAATAGCAACAGTGTAATTTCTTACAGATTATTATTTCACCAACAGAT[T>G]TAACTACACCACTAAAAAAACGAAGATTTTATCAGTTGCTAGATTCGGTTTACTCAGAAA-3'
Protein context (NP_891847.1, residues 857-877): LLNDSCSLPD[Leu867Val]TTPLKKRRFY

ClinVar aggregate classification (germline): Uncertain significance (1 of 4 stars; one submission).

Conditions:
O'Donnell-Luria-Rodan syndrome (ODLURO). Also called: KMT2E-Related Neurodevelopmental Disorder. Identifiers: MedGen C5193138, MONDO:0032793, OMIM 618512.

Submission:

Juno Genomics, Hangzhou Juno Genomics, Inc
Classification: Uncertain significance for O'Donnell-Luria-Rodan syndrome. Review status: criteria provided, single submitter. Criteria: ACMG Guidelines, 2015. Collection method: clinical testing. Allele origin: germline.
Comment: Absent from controls (or at extremely low frequency if recessive) in Genome Aggregation Database.